The following is an entry in ClinVar:

NM_000329.3(RPE65):c.614A>G (p.Asn205Ser)

Gene: RPE65 (retinoid isomerohydrolase RPE65; minus strand). Cytogenetic location: 1p31.3.
Variant type: single nucleotide variant.
Coding change: c.614A>G on transcript NM_000329.3 (MANE Select); coding-DNA position 614, A replaced by G.
Protein change: p.Asn205Ser; replaces asparagine 205 with serine.
Molecular consequence: missense variant.
Genome position (GRCh38, 1-based): chr1:68,440,882, T>C on the plus strand (A>G on the coding strand, the complement: RPE65 is on the minus strand). VCF-style: chr1-68440882-T-C. GRCh37 (hg19) VCF-style: chr1-68906565-T-C.
Other names: short protein forms N205S.
Identifiers: ClinVar variation 98879 (VCV000098879.6), dbSNP rs61752887, ClinGen allele CA226565.

ClinVar aggregate classification (germline): Uncertain significance. Review status: criteria provided, multiple submitters, no conflicts (2 of 4 stars). 4 submissions from 4 submitters: Uncertain significance (3). 1 of the submissions does not count toward it. Last evaluated 2024-06-26.

Conditions:
Retinitis pigmentosa 20 (RP20). Identifiers: Orphanet 791, MedGen C3151086, MONDO:0013425, OMIM 613794.
Leber congenital amaurosis 2 (LCA2). Also called: AMAUROSIS CONGENITA OF LEBER II; Autosomal Recessive RPE65-Related Retinal Degeneration. Identifiers: Orphanet 65, MedGen C1859844, MONDO:0008765, OMIM 204100. Disease mechanism: loss of function.
Retinal dystrophy. Also called: Inherited retinal dystrophy. Identifiers: Orphanet 71862, MedGen C0854723, MeSH D058499, MONDO:0019118, HP:0000556.

Allele frequency attached by ClinVar (database versions not stated): ExAC 0.00001; gnomAD 0.00001 and 0.00002; gnomAD exomes 0.00001 and 0.00002; TOPMed 0.00001.
gnomAD v4.1: 28 of 1,613,948 alleles (0.0017%); highest among the groups gnomAD compares: Non-Finnish European, 0.0023%; no homozygotes.

Submissions (4):

Labcorp Genetics (formerly Invitae), Labcorp
Classification: Uncertain significance for Leber congenital amaurosis 2; Retinitis pigmentosa 20. Last evaluated: 2024-06-26. Review status: criteria provided, single submitter. Criteria: Invitae Variant Classification Sherloc (09022015). Collection method: clinical testing. Allele origin: germline.
Comment: This sequence change replaces asparagine, which is neutral and polar, with serine, which is neutral and polar, at codon 205 of the RPE65 protein (p.Asn205Ser). This variant is present in population databases (rs61752887, gnomAD 0.003%). This variant has not been reported in the literature in individuals affected with RPE65-related conditions. ClinVar contains an entry for this variant (Variation ID: 98879). Advanced modeling of protein sequence and biophysical properties (such as structural, functional, and spatial information, amino acid conservation, physicochemical variation, residue mobility, and thermodynamic stability) performed at Invitae indicates that this missense variant is not expected to disrupt RPE65 protein function with a negative predictive value of 80%. In summary, the available evidence is currently insufficient to determine the role of this variant in disease. Therefore, it has been classified as a Variant of Uncertain Significance.

Blueprint Genetics
Classification: Uncertain significance. Last evaluated: 2023-12-28. Review status: criteria provided, single submitter. Criteria: ACMG Guidelines, 2015. Collection method: clinical testing. Allele origin: germline.

Institute of Human Genetics, Univ. Regensburg, Univ. Regensburg
Classification: Uncertain significance for Retinal dystrophy. Last evaluated: 2018-01-01. Review status: criteria provided, single submitter. Criteria: ACMG Guidelines, 2015. Collection method: clinical testing. Allele origin: germline. Affected: yes.

Retina International
No classification provided. Review status: no classification provided. Collection method: not provided. Allele origin: not provided. Not counted in ClinVar's aggregate classification.

Literature cited by the submitters: PubMed 16123401 (cited by Institute of Human Genetics, Univ. Regensburg, Univ. Regensburg); PubMed 3196484 (cited by Institute of Human Genetics, Univ. Regensburg, Univ. Regensburg).